The following is an entry in ClinVar:

ClinVar aggregate classification (germline): Uncertain significance. Review status: criteria provided, multiple submitters, no conflicts (2 of 4 stars). 3 submissions from 3 submitters: Uncertain significance (3). Last evaluated 2024-09-05.

Conditions:
Nijmegen breakage syndrome-like disorder (NBSLD). Also called: MICROCEPHALY AND SPONTANEOUS CHROMOSOME INSTABILITY WITHOUT IMMUNODEFICIENCY; NBS-LIKE DISORDER; RAD50 DEFICIENCY. Identifiers: Orphanet 240760, MedGen C2751318, MONDO:0013118, OMIM 613078.
Hereditary cancer-predisposing syndrome. Also called: Neoplastic Syndromes, Hereditary; Tumor predisposition; Hereditary Cancer Syndrome; Hereditary neoplastic syndrome. Identifiers: Orphanet 140162, MedGen C0027672, MeSH D009386, MONDO:0015356.

Allele frequency attached by ClinVar (database versions not stated): gnomAD exomes below 0.00001; TOPMed below 0.00001; gnomAD 0.00001.
gnomAD v4.1: 1 of 1,613,494 alleles (0.000062%); highest among the groups gnomAD compares: African/African-American, 0.0013%; no homozygotes.

Submissions (3):

Labcorp Genetics (formerly Invitae), Labcorp
Classification: Uncertain significance for Hereditary cancer-predisposing syndrome. Last evaluated: 2024-09-05. Review status: criteria provided, single submitter. Criteria: Invitae Variant Classification Sherloc (09022015). Collection method: clinical testing. Allele origin: germline.
Comment: This sequence change replaces glutamine, which is neutral and polar, with arginine, which is basic and polar, at codon 354 of the RAD50 protein (p.Gln354Arg). This variant is present in population databases (no rsID available, gnomAD 0.007%). This variant has not been reported in the literature in individuals affected with RAD50-related conditions. ClinVar contains an entry for this variant (Variation ID: 482134). Invitae Evidence Modeling of protein sequence and biophysical properties (such as structural, functional, and spatial information, amino acid conservation, physicochemical variation, residue mobility, and thermodynamic stability) has been performed for this missense variant. However, the output from this modeling did not meet the statistical confidence thresholds required to predict the impact of this variant on RAD50 protein function. In summary, the available evidence is currently insufficient to determine the role of this variant in disease. Therefore, it has been classified as a Variant of Uncertain Significance.

Fulgent Genetics
Classification: Uncertain significance for Nijmegen breakage syndrome-like disorder. Last evaluated: 2024-06-07. Review status: criteria provided, single submitter. Criteria: ACMG Guidelines, 2015. Collection method: clinical testing. Allele origin: germline.

Ambry Genetics
Classification: Uncertain significance for Hereditary cancer-predisposing syndrome. Last evaluated: 2023-10-19. Review status: criteria provided, single submitter. Criteria: Ambry Variant Classification Scheme 2023. Collection method: clinical testing. Allele origin: germline.
Comment: The p.Q354R variant (also known as c.1061A>G), located in coding exon 8 of the RAD50 gene, results from an A to G substitution at nucleotide position 1061. The glutamine at codon 354 is replaced by arginine, an amino acid with highly similar properties. This amino acid position is highly conserved in available vertebrate species. In addition, the in silico prediction for this alteration is inconclusive. Since supporting evidence is limited at this time, the clinical significance of this alteration remains unclear.

NM_005732.4(RAD50):c.1061A>G (p.Gln354Arg)

Gene: RAD50 (RAD50 double strand break repair protein; plus strand). Cytogenetic location: 5q31.1.
Variant type: single nucleotide variant.
Coding change: c.1061A>G on transcript NM_005732.4 (MANE Select); coding-DNA position 1061, A replaced by G.
Protein change: p.Gln354Arg; replaces glutamine 354 with arginine.
Molecular consequence: missense variant.
Genome position (GRCh38, 1-based): chr5:132,588,696, A>G. VCF-style: chr5-132588696-A-G. GRCh37 (hg19) VCF-style: chr5-131924388-A-G.
Other names: short protein forms Q354R.
Identifiers: ClinVar variation 482134 (VCV000482134.13), dbSNP rs1272466952, ClinGen allele CA360941983.